The following is an entry in ClinVar:

ClinVar aggregate classification (germline): Uncertain significance. Review status: criteria provided, multiple submitters, no conflicts (2 of 4 stars). 2 submissions from 2 submitters: Uncertain significance (2). Last evaluated 2021-12-03.

Conditions:
Episodic ataxia type 2 (EA2). Also called: ATAXIA, EPISODIC, WITH NYSTAGMUS; ATAXIA, FAMILIAL PAROXYSMAL; ACETAZOLAMIDE-RESPONSIVE HEREDITARY PAROXYSMAL CEREBELLAR ATAXIA; EPISODIC ATAXIA, NYSTAGMUS-ASSOCIATED; CEREBELLAR ATAXIA, PAROXYSMAL, ACETAZOLAMIDE-RESPONSIVE; CEREBELLOPATHY, HEREDITARY PAROXYSMAL. Identifiers: Orphanet 97, MedGen C1720416, MONDO:0007163, OMIM 108500.
Developmental and epileptic encephalopathy, 42 (DEE42A). Also called: DEVELOPMENTAL AND EPILEPTIC ENCEPHALOPATHY 42A; EPILEPTIC ENCEPHALOPATHY, EARLY INFANTILE, 42A; Epileptic encephalopathy, early infantile, 42. Identifiers: MedGen C4310716, MONDO:0014917, OMIM 617106.

Allele frequency attached by ClinVar (database versions not stated): ExAC 0.00002.
gnomAD v4.1: 21 of 1,613,692 alleles (0.0013%); highest among the groups gnomAD compares: Non-Finnish European, 0.0011%; no homozygotes.

Submissions (2):

Labcorp Genetics (formerly Invitae), Labcorp
Classification: Uncertain significance for Developmental and epileptic encephalopathy, 42; Episodic ataxia type 2. Last evaluated: 2021-12-03. Review status: criteria provided, single submitter. Criteria: Invitae Variant Classification Sherloc (09022015). Collection method: clinical testing. Allele origin: germline.
Comment: Advanced modeling of protein sequence and biophysical properties (such as structural, functional, and spatial information, amino acid conservation, physicochemical variation, residue mobility, and thermodynamic stability) performed at Invitae indicates that this missense variant is not expected to disrupt CACNA1A protein function. ClinVar contains an entry for this variant (Variation ID: 434557). This variant has not been reported in the literature in individuals affected with CACNA1A-related conditions. This variant is present in population databases (rs763400188, gnomAD 0.009%). This sequence change replaces proline, which is neutral and non-polar, with arginine, which is basic and polar, at codon 1061 of the CACNA1A protein (p.Pro1061Arg). In summary, the available evidence is currently insufficient to determine the role of this variant in disease. Therefore, it has been classified as a Variant of Uncertain Significance.

Genetic Services Laboratory, University of Chicago
Classification: Uncertain significance. Last evaluated: 2016-12-12. Review status: criteria provided, single submitter. Criteria: ACMG Guidelines, 2015. Collection method: clinical testing. Allele origin: germline. Affected: no.

NM_001127222.2(CACNA1A):c.3179C>G (p.Pro1060Arg)

Gene: CACNA1A (calcium voltage-gated channel subunit alpha1 A; minus strand). Cytogenetic location: 19p13.13.
Variant type: single nucleotide variant.
Coding change: c.3179C>G on transcript NM_001127222.2 (MANE Select); coding-DNA position 3179, C replaced by G.
Protein change: p.Pro1060Arg; replaces proline 1060 with arginine.
Molecular consequence: missense variant.
Genome position (GRCh38, 1-based): chr19:13,286,877, G>C on the plus strand (C>G on the coding strand, the complement: CACNA1A is on the minus strand). VCF-style: chr19-13286877-G-C. GRCh37 (hg19) VCF-style: chr19-13397691-G-C.
Other names: c.3191C>G, p.Pro1064Arg (NM_000068.4, NM_023035.3); c.3182C>G, p.Pro1061Arg (NM_001127221.2, NM_001174080.2); short protein forms P1061R, P1060R, P1064R.
Identifiers: ClinVar variation 434557 (VCV000434557.13), dbSNP rs763400188, ClinGen allele CA9240394.